The following is an entry in ClinVar:

ClinVar aggregate classification (germline): Uncertain significance (1 of 4 stars; one submission).

Submission:

Labcorp Genetics (formerly Invitae), Labcorp
Classification: Uncertain significance. Last evaluated: 2025-03-26. Review status: criteria provided, single submitter. Criteria: Invitae Variant Classification Sherloc (09022015). Collection method: clinical testing. Allele origin: germline.
Comment: This sequence change replaces histidine, which is basic and polar, with arginine, which is basic and polar, at codon 1239 of the NLRP1 protein (p.His1239Arg). This variant is not present in population databases (gnomAD no frequency). This variant has not been reported in the literature in individuals affected with NLRP1-related conditions. An algorithm developed to predict the effect of missense changes on protein structure and function (PolyPhen-2) suggests that this variant is likely to be disruptive. In summary, the available evidence is currently insufficient to determine the role of this variant in disease. Therefore, it has been classified as a Variant of Uncertain Significance.

NM_033004.4(NLRP1):c.3716A>G (p.His1239Arg)

Gene: NLRP1 (NLR family pyrin domain containing 1; minus strand). Cytogenetic location: 17p13.2.
Variant type: single nucleotide variant.
Coding change: c.3716A>G on transcript NM_033004.4 (MANE Select); coding-DNA position 3716, A replaced by G.
Protein change: p.His1239Arg; replaces histidine 1239 with arginine.
Molecular consequence: missense variant.
Genome position (GRCh38, 1-based): chr17:5,521,591, T>C on the plus strand (A>G on the coding strand, the complement: NLRP1 is on the minus strand). VCF-style: chr17-5521591-T-C. GRCh37 (hg19) VCF-style: chr17-5424911-T-C.
Other names: c.3728A>G, p.His1243Arg (NM_001033053.3); c.3716A>G, p.His1239Arg (NM_014922.5); c.3626A>G, p.His1209Arg (NM_033006.4, NM_033007.4); short protein forms H1209R, H1239R, H1243R.
Identifiers: ClinVar variation 3660223 (VCV003660223.2).
Genomic context (GRCh38, chr17:5,521,591, plus strand): 5'-ATGGAGCAGTCACTTGGGATCAGGTAGAGGTGGAAGGTGACTTCCTCAGGATGGACGCGG[T>C]GGTAAAGCAACACCACAGAGGTGACGGGAATGAAGCGCAGGGCATTATGGATCATTTTCA-3'
Protein context (NP_127497.1, residues 1229-1249): IPVTSVVLLY[His1239Arg]RVHPEEVTFH